The following is an entry in ClinVar:

NM_001433705.1(NLRP5):c.3423A>T (p.Glu1141Asp)

Gene: NLRP5 (NLR family pyrin domain containing 5; plus strand). Cytogenetic location: 19q13.43.
Variant type: single nucleotide variant.
Coding change: c.3423A>T on transcript NM_001433705.1 (MANE Select); coding-DNA position 3423, A replaced by T.
Protein change: p.Glu1141Asp; replaces glutamic acid 1141 with aspartic acid.
Molecular consequence: missense variant.
Genome position (GRCh38, 1-based): chr19:56,061,501, A>T. VCF-style: chr19-56061501-A-T. GRCh37 (hg19) VCF-style: chr19-56572867-A-T.
Other names: NM_153447.4:c.3576A>T; short protein forms E1141D.
Identifiers: ClinVar variation 3356630 (VCV003356630.1).

ClinVar aggregate classification (germline): Uncertain significance (0 of 4 stars; one submission).

Conditions:
NLRP5-related disorder. Also called: NLRP5-related condition.

Submission:

PreventionGenetics, part of Exact Sciences
Classification: Uncertain significance for NLRP5-related condition. Last evaluated: 2024-06-26. Review status: no assertion criteria provided. Collection method: clinical testing. Allele origin: germline.
Comment: The NLRP5 c.3576A>T variant is predicted to result in the amino acid substitution p.Glu1192Asp. To our knowledge, this variant has not been reported in the literature or in a large population database, indicating this variant is rare. At this time, the clinical significance of this variant is uncertain due to the absence of conclusive functional and genetic evidence.